The following is an entry in ClinVar:

NM_000138.5(FBN1):c.8412T>G (p.Phe2804Leu)

Gene: FBN1 (fibrillin 1; minus strand). Cytogenetic location: 15q21.1.
Variant type: single nucleotide variant.
Coding change: c.8412T>G on transcript NM_000138.5 (MANE Select); coding-DNA position 8412, T replaced by G.
Protein change: p.Phe2804Leu; replaces phenylalanine 2804 with leucine.
Molecular consequence: missense variant.
Genome position (GRCh38, 1-based): chr15:48,411,194, A>C on the plus strand (T>G on the coding strand, the complement: FBN1 is on the minus strand). VCF-style: chr15-48411194-A-C. GRCh37 (hg19) VCF-style: chr15-48703391-A-C.
Other names: p.F2804L:TTT>TTG; short protein forms F2804L.
Identifiers: ClinVar variation 200131 (VCV000200131.2), dbSNP rs794728285, ClinGen allele CA017739.

ClinVar aggregate classification (germline): Uncertain significance (1 of 4 stars; one submission).

Allele frequency attached by ClinVar (database versions not stated): gnomAD exomes below 0.00001.
gnomAD v4.1: 1 of 1,614,130 alleles (0.000062%); highest among the groups gnomAD compares: Non-Finnish European, 0.000085%; no homozygotes.

Submission:

GeneDx
Classification: Uncertain significance. Last evaluated: 2016-05-19. Review status: criteria provided, single submitter. Criteria: GeneDx Variant Classification (06012015). Collection method: clinical testing. Allele origin: germline. Affected: yes.
Comment: The F2804L variant has not been published as a mutation, nor has it been reported as a benign polymorphism to our knowledge. The F2804L variant was not observed in approximately 6,500 individuals of European and African American ancestry in the NHLBI Exome Sequencing Project, indicating it is not a common benign variant in these populations. This substitution occurs at a position that is conserved across species and in silico analysis predicts this variant is probably damaging to the protein structure/function. Additionally, missense mutations in nearby residues (Y2793C; Y2793H) have been reported in the Human Gene Mutation Database in association with Marfan syndrome, supporting the functional importance of this region of the protein. However, the F2804L variant is a conservative amino acid substitution, which is not likely to impact secondary protein structure as these residues share similar properties. Therefore, based on the currently available information, it is unclear whether this variant is a pathogenic mutation or a rare benign variant.